The following is an entry in ClinVar:

NM_015512.5(DNAH1):c.11890G>A (p.Ala3964Thr)

Gene: DNAH1 (dynein axonemal heavy chain 1; plus strand). Cytogenetic location: 3p21.1.
Variant type: single nucleotide variant.
Coding change: c.11890G>A on transcript NM_015512.5 (MANE Select); coding-DNA position 11890, G replaced by A.
Protein change: p.Ala3964Thr; replaces alanine 3964 with threonine.
Molecular consequence: missense variant.
Genome position (GRCh38, 1-based): chr3:52,397,809, G>A. VCF-style: chr3-52397809-G-A. GRCh37 (hg19) VCF-style: chr3-52431825-G-A.
Other names: short protein forms A3964T.
Identifiers: ClinVar variation 848599 (VCV000848599.7), dbSNP rs373632520, ClinGen allele CA2436324.

ClinVar aggregate classification (germline): Uncertain significance. Review status: criteria provided, multiple submitters, no conflicts (2 of 4 stars). 2 submissions from 2 submitters: Uncertain significance (2). Last evaluated 2026-01-19.

Conditions:
Spermatogenic failure 18. Identifiers: MedGen C4539783, MONDO:0054615, OMIM 617576.
Ciliary dyskinesia, primary, 37 (CILD37). Also called: CILIARY DYSKINESIA, PRIMARY, 37, WITH OR WITHOUT SITUS INVERSUS. Identifiers: MedGen C4539798, MONDO:0033204, OMIM 617577.

Allele frequency attached by ClinVar (database versions not stated): ExAC 0.00003; gnomAD exomes 0.00004; gnomAD 0.00003; TOPMed 0.00003; ESP Exome Variant Server 0.00008.
gnomAD v4.1: 58 of 1,613,282 alleles (0.0036%); highest among the groups gnomAD compares: Middle Eastern, 0.016%; no homozygotes.

Submissions (2):

Labcorp Genetics (formerly Invitae), Labcorp
Classification: Uncertain significance for Ciliary dyskinesia, primary, 37; Spermatogenic failure 18. Last evaluated: 2026-01-19. Review status: criteria provided, single submitter. Criteria: Invitae Variant Classification Sherloc (09022015). Collection method: clinical testing. Allele origin: germline.
Comment: This sequence change replaces alanine, which is neutral and non-polar, with threonine, which is neutral and polar, at codon 3964 of the DNAH1 protein (p.Ala3964Thr). This variant is present in population databases (rs373632520, gnomAD 0.03%). This variant has not been reported in the literature in individuals affected with DNAH1-related conditions. ClinVar contains an entry for this variant (Variation ID: 848599). Invitae Evidence Modeling of protein sequence and biophysical properties (such as structural, functional, and spatial information, amino acid conservation, physicochemical variation, residue mobility, and thermodynamic stability) indicates that this missense variant is not expected to disrupt DNAH1 protein function with a negative predictive value of 80%. In summary, the available evidence is currently insufficient to determine the role of this variant in disease. Therefore, it has been classified as a Variant of Uncertain Significance.

Ambry Genetics
Classification: Uncertain significance. Last evaluated: 2023-08-21. Review status: criteria provided, single submitter. Criteria: Ambry Variant Classification Scheme 2023. Collection method: clinical testing. Allele origin: germline.